The following is an entry in ClinVar:

NM_001001331.4(ATP2B2):c.2722G>A (p.Val908Met)

Gene: ATP2B2 (ATPase plasma membrane Ca2+ transporting 2; minus strand). Cytogenetic location: 3p25.3.
Variant type: single nucleotide variant.
Coding change: c.2722G>A on transcript NM_001001331.4 (MANE Select); coding-DNA position 2722, G replaced by A.
Protein change: p.Val908Met; replaces valine 908 with methionine.
Molecular consequence: missense variant.
Genome position (GRCh38, 1-based): chr3:10,342,947, C>T on the plus strand (G>A on the coding strand, the complement: ATP2B2 is on the minus strand). VCF-style: chr3-10342947-C-T. GRCh37 (hg19) VCF-style: chr3-10384631-C-T.
Other names: c.2587G>A, p.Val863Met (NM_001330611.3, NM_001353564.1, NM_001363862.1 and 2 more transcripts); c.2629G>A, p.Val877Met (NM_001438646.1); short protein forms V863M, V877M, V908M.
Identifiers: ClinVar variation 5038444 (VCV005038444.1).

ClinVar aggregate classification (germline): Uncertain significance (1 of 4 stars; one submission).

Conditions:
Neurodevelopmental disorder. Identifiers: MedGen C1535926, MeSH D065886, MONDO:0700092.

gnomAD v4.1: 1 of 1,613,812 alleles (0.000062%); no homozygotes.

Submission:

Department of Clinical Genetics, Aarhus University Hospital
Classification: Uncertain significance for Neurodevelopmental disorder. Last evaluated: 2026-10-01. Review status: criteria provided, single submitter. Criteria: ACMG Guidelines, 2015. Collection method: clinical testing. Allele origin: de novo. Inheritance: Autosomal dominant inheritance. Affected: yes.
Comment: This variant was found in two affected siblings. The variant was not detected in the parents of the patients (trio-genome), but germline/gonadal mosaicism is likely present. The ATP2B2-gene has recently been associated with neurodevelopmental disorder. The variant is seen 1x in the gnomAD 4.1 database. In silico prediction tools (AlphaMissense, REVEL) state that the variant is pathogenic. ATP2B2-missense variants are generally underrepresented in the gnomAD database. According to the ACMG guidelines, this variant is interpreted as uncertain significance (PS2_supporting, PM2_supporting, PP2_supporting, PP3_moderate).

Literature cited by the submitters: PubMed 37675773; PubMed 39367743.